The following is an entry in ClinVar:

NM_001387850.1(FILIP1L):c.1047G>A (p.Glu349=)

Genes: CMSS1 (cms1 ribosomal small subunit homolog; plus strand), FILIP1L (filamin A interacting protein 1 like; minus strand), LOC105374010 (uncharacterized LOC105374010; plus strand). Cytogenetic location: 3q12.1.
Variant type: single nucleotide variant.
Coding change: c.1047G>A on transcript NM_001387850.1 (MANE Select); coding-DNA position 1047, G replaced by A.
Protein change: p.Glu349=; no amino-acid change (glutamic acid 349 retained).
Molecular consequence: synonymous variant. On other transcripts: intron variant (3).
Genome position (GRCh38, 1-based): chr3:99,850,629, C>T on the plus strand (G>A on the coding strand, the complement: FILIP1L is on the minus strand). VCF-style: chr3-99850629-C-T. GRCh37 (hg19) VCF-style: chr3-99569473-C-T.
Other names: c.1047G>A, p.Glu349= (NM_001042459.3, NM_182909.4); c.327G>A, p.Glu109= (NM_001282794.2, NM_001370247.1, NM_001387851.1 and 1 more transcripts); c.64+32586C>T (NM_032359.4); c.606-20024G>A (NM_001387852.1); c.-24-202G>A (NM_001282793.2).
Identifiers: ClinVar variation 3039661 (VCV003039661.2), dbSNP rs371654121, ClinGen allele CA2513660.

ClinVar aggregate classification (germline): Likely benign (0 of 4 stars; one submission).

Conditions:
FILIP1L-related disorder. Also called: FILIP1L-related condition.

Allele frequency attached by ClinVar (database versions not stated): gnomAD 0.00001; ExAC 0.00004; TOPMed 0.00004; gnomAD exomes 0.00009; ESP Exome Variant Server 0.00017.
gnomAD v4.1: 135 of 1,613,866 alleles (0.0084%); highest among the groups gnomAD compares: Middle Eastern, 0.033%; no homozygotes.

Submission:

PreventionGenetics, part of Exact Sciences
Classification: Likely benign for FILIP1L-related condition. Last evaluated: 2019-05-24. Review status: no assertion criteria provided. Collection method: clinical testing. Allele origin: germline.
Comment: This variant is classified as likely benign based on ACMG/AMP sequence variant interpretation guidelines (Richards et al. 2015 PMID: 25741868, with internal and published modifications).